The following is an entry in ClinVar:

ClinVar aggregate classification (germline): Likely benign. Review status: criteria provided, multiple submitters, no conflicts (2 of 4 stars). 2 submissions from 2 submitters: Likely benign (2). Last evaluated 2024-08-01.

Conditions:
Inborn genetic diseases. Identifiers: MedGen C0950123, MeSH D030342.

Allele frequency attached by ClinVar (database versions not stated): TOPMed below 0.00001; ExAC 0.00001; gnomAD 0.00001.
gnomAD v4.1: 11 of 1,614,042 alleles (0.00068%); highest among the groups gnomAD compares: East Asian, 0.0022%; no homozygotes.

Submissions (2):

CeGaT Center for Human Genetics Tuebingen
Classification: Likely benign. Last evaluated: 2024-08-01. Review status: criteria provided, single submitter. Criteria: CeGaT Center For Human Genetics Tuebingen Variant Classification Criteria Version 2. Collection method: clinical testing. Allele origin: germline. Affected: yes. Observed: 1 variant allele.
Comment: NIPBL: BS2

Ambry Genetics
Classification: Likely benign for Inborn genetic diseases. Last evaluated: 2024-01-03. Review status: criteria provided, single submitter. Criteria: Ambry Variant Classification Scheme 2023. Collection method: clinical testing. Allele origin: germline.

NM_133433.4(NIPBL):c.7814A>G (p.Lys2605Arg)

Gene: NIPBL (NIPBL cohesin loading factor; plus strand). Cytogenetic location: 5p13.2.
Variant type: single nucleotide variant.
Coding change: c.7814A>G on transcript NM_133433.4 (MANE Select); coding-DNA position 7814, A replaced by G.
Protein change: p.Lys2605Arg; replaces lysine 2605 with arginine.
Molecular consequence: missense variant.
Genome position (GRCh38, 1-based): chr5:37,060,972, A>G. VCF-style: chr5-37060972-A-G. GRCh37 (hg19) VCF-style: chr5-37061074-A-G.
Other names: c.7814A>G, p.Lys2605Arg (NM_015384.5); short protein forms K2605R.
Identifiers: ClinVar variation 3200182 (VCV003200182.17), dbSNP rs754514853, ClinGen allele CA3237273.
Genomic context (GRCh38, chr5:37,060,972, plus strand): 5'-GAGTTCATTTTCATCCAAAACAAACACTGGACTTCCTGCGGAGTGACATGGCTAATTCCA[A>G]AATCACAGAAGAGGTGAAAAGGAGTATAGTAAAACAGTATCTAGATGTGAGTAGTAAAAC-3'
Protein context (NP_597677.2, residues 2595-2615): DFLRSDMANS[Lys2605Arg]ITEEVKRSIV